The following is an entry in ClinVar:

ClinVar aggregate classification (germline): Uncertain significance (1 of 4 stars; one submission).

Submission:

Labcorp Genetics (formerly Invitae), Labcorp
Classification: Uncertain significance. Last evaluated: 2025-05-26. Review status: criteria provided, single submitter. Criteria: Invitae Variant Classification Sherloc (09022015). Collection method: clinical testing. Allele origin: germline.
Comment: This sequence change creates a premature translational stop signal (p.Tyr694Leufs*8) in the COMP gene. It is expected to result in an absent or disrupted protein product. However, the current clinical and genetic evidence is not sufficient to establish whether loss-of-function variants in COMP cause disease. This variant is not present in population databases (gnomAD no frequency). This variant has not been reported in the literature in individuals affected with COMP-related conditions. ClinVar contains an entry for this variant (Variation ID: 2006628). In summary, the available evidence is currently insufficient to determine the role of this variant in disease. Therefore, it has been classified as a Variant of Uncertain Significance.

NM_000095.3(COMP):c.2078dup (p.Tyr694fs)

Gene: COMP (cartilage oligomeric matrix protein; minus strand). Cytogenetic location: 19p13.11.
Variant type: Duplication.
Coding change: c.2078dup on transcript NM_000095.3 (MANE Select); coding-DNA position 2078, one base duplicated (G; older notation c.2078dupG).
Protein change: p.Tyr694fs; shifts the reading frame from tyrosine 694.
Molecular consequence: frameshift variant.
Genome position (GRCh38, 1-based): chr19:18,784,200, C duplicated on the plus strand (G on the coding strand, the reverse complement: COMP is on the minus strand); the first of 3 consecutive C bases (chr19:18,784,200-18,784,202); duplicating any one gives the same sequence. VCF-style (leftmost placement, unchanged base first): chr19-18784199-G-GC. GRCh37 (hg19) VCF-style: chr19-18895009-G-GC.
Other names: short protein forms Y694fs.
Identifiers: ClinVar variation 2006628 (VCV002006628.4), dbSNP rs1234440383, ClinGen allele CA783971232.